The following is an entry in ClinVar:

NM_138694.4(PKHD1):c.1736C>T (p.Thr579Met)

Gene: PKHD1 (PKHD1 ciliary IPT domain containing fibrocystin/polyductin; minus strand). Cytogenetic location: 6p12.2.
Variant type: single nucleotide variant.
Coding change: c.1736C>T on transcript NM_138694.4 (MANE Select); coding-DNA position 1736, C replaced by T.
Protein change: p.Thr579Met; replaces threonine 579 with methionine.
Molecular consequence: missense variant.
Genome position (GRCh38, 1-based): chr6:52,055,687, G>A on the plus strand (C>T on the coding strand, the complement: PKHD1 is on the minus strand). VCF-style: chr6-52055687-G-A. GRCh37 (hg19) VCF-style: chr6-51920485-G-A.
Other names: NM_138694.3(PKHD1):c.1736C>T(p.Thr579Met); NM_170724.2(PKHD1):c.1736C>T(p.Thr579Met); c.1736C>T, p.Thr579Met (NM_170724.3); short protein forms T579M.
Identifiers: ClinVar variation 96381 (VCV000096381.37), dbSNP rs45500692, ClinGen allele CA149493.

ClinVar aggregate classification (germline): Benign/Likely benign. Review status: criteria provided, multiple submitters, no conflicts (2 of 4 stars). 15 submissions from 15 submitters: Benign (9); Likely benign (2). 4 of the submissions do not count toward it. Last evaluated 2026-02-04.

Conditions:
Polycystic kidney disease 4 (PKD4). Also called: POLYCYSTIC KIDNEY AND HEPATIC DISEASE 1; POLYCYSTIC KIDNEY DISEASE, INFANTILE, TYPE I; POLYCYSTIC KIDNEY DISEASE 4 WITH OR WITHOUT POLYCYSTIC LIVER DISEASE; Autosomal Recessive Polycystic Kidney Disease – PKHD1; PKD3. Identifiers: MedGen C4540575, MONDO:0033004, OMIM 263200.
Autosomal recessive polycystic kidney disease (ARPKD). Also called: AR polycystic kidney disease. Identifiers: Orphanet 731, Orphanet 8378, MedGen C0085548, MeSH D017044, MONDO:0009889.
Polycystic kidney disease. Also called: Polycystic kidney dysplasia; Kidney, Polycystic. Identifiers: MedGen C0022680, MeSH D007690, MONDO:0020642, HP:0000113.

Allele frequency attached by ClinVar (database versions not stated): 1000 Genomes Project 0.01278; gnomAD exomes 0.02429 and 0.03028; gnomAD 0.02436 and 0.02384; ESP Exome Variant Server 0.02599; 1000 Genomes Project 30x 0.01218; TOPMed 0.02243; ExAC 0.02462.
gnomAD v4.1: 47,559 of 1,613,766 alleles (2.9%); highest among the groups gnomAD compares: Non-Finnish European, 3.5%; 825 homozygotes.

Submissions (15):

Labcorp Genetics (formerly Invitae), Labcorp
Classification: Benign for Autosomal recessive polycystic kidney disease. Last evaluated: 2026-02-04. Review status: criteria provided, single submitter. Criteria: Invitae Variant Classification Sherloc (09022015). Collection method: clinical testing. Allele origin: germline.

Blueprint Genetics
Classification: Benign. Last evaluated: 2024-11-27. Review status: criteria provided, single submitter. Criteria: ACMG Guidelines, 2015. Collection method: clinical testing. Allele origin: germline.

Mayo Clinic Laboratories, Mayo Clinic
Classification: Benign. Last evaluated: 2023-04-18. Review status: criteria provided, single submitter. Criteria: ACMG Guidelines, 2015. Collection method: clinical testing. Allele origin: germline. Observed: 37 variant alleles.
Comment: BS1, BS2

Pars Genome Lab
Classification: Benign for Polycystic kidney disease 4. Last evaluated: 2021-06-19. Review status: criteria provided, single submitter. Criteria: ACMG Guidelines, 2015. Collection method: clinical testing. Allele origin: germline. Affected: no.

GeneDx
Classification: Benign. Last evaluated: 2020-10-12. Review status: criteria provided, single submitter. Criteria: GeneDx Variant Classification Process June 2021. Collection method: clinical testing. Allele origin: germline. Affected: yes.
Comment: This variant is associated with the following publications: (PMID: 25701400)

SIB Swiss Institute of Bioinformatics
Classification: Benign for Polycystic kidney disease 4. Last evaluated: 2018-05-31. Review status: criteria provided, single submitter. Criteria: ACMG Guidelines, 2015. Collection method: curation. Allele origin: unknown.
Comment: This variant is interpreted as a Benign, for Polycystic kidney disease 4 with or without polycystic liver disease, in Autosomal Recessive manner. The following ACMG Tag(s) were applied: BS1 => Allele frequency is greater than expected for disorder. BS2 => Observed in a healthy adult individual for a recessive (homozygous), dominant (heterozygous), or X-linked (hemizygous) disorder, with full penetrance expected at an early age.

Illumina Laboratory Services, Illumina
Classification: Likely benign for Polycystic kidney disease 4. Last evaluated: 2018-01-13. Review status: criteria provided, single submitter. Criteria: ICSL Variant Classification Criteria 13 December 2019. Collection method: clinical testing. Allele origin: germline.
Comment: This variant was observed in the ICSL laboratory as part of a predisposition screen in an ostensibly healthy population. It had not been previously curated by ICSL or reported in the Human Gene Mutation Database (HGMD: prior to June 1st, 2018), and was therefore a candidate for classification through an automated scoring system. Utilizing variant allele frequency, disease prevalence and penetrance estimates, and inheritance mode, an automated score was calculated to assess if this variant is too frequent to cause the disease. Based on the score and internal cut-off values, a variant classified as likely benign is not then subjected to further curation. The score for this variant resulted in a classification of likely benign for this disease.

Genome Diagnostics Laboratory, University Medical Center Utrecht
Classification: Benign for Polycystic kidney disease 4. Last evaluated: 2014-10-09. Review status: criteria provided, single submitter. Criteria: ACGS Guidelines, 2013. Collection method: clinical testing. Allele origin: germline. Affected: yes. Study: VKGL Data-share Consensus.

Eurofins Ntd Llc (ga)
Classification: Benign. Last evaluated: 2013-03-26. Review status: criteria provided, single submitter. Criteria: EGL Classification Definitions 2015. Collection method: clinical testing. Allele origin: germline. Observed: 7 variant alleles, 7 heterozygotes.

Breakthrough Genomics
Classification: Likely benign. Review status: criteria provided, single submitter. Criteria: ACMG Guidelines, 2015. Collection method: not provided. Allele origin: germline. Inheritance: Autosomal recessive inheritance. Affected: yes.

PreventionGenetics, part of Exact Sciences
Classification: Benign. Review status: criteria provided, single submitter. Criteria: ACMG Guidelines, 2015. Collection method: clinical testing. Allele origin: germline.

Natera, Inc.
Classification: Benign for Autosomal recessive polycystic kidney disease. Last evaluated: 2017-05-11. Review status: no assertion criteria provided. Collection method: clinical testing. Allele origin: germline. Not counted in ClinVar's aggregate classification.

Department of Pathology and Laboratory Medicine, Sinai Health System
Classification: Likely benign for Polycystic Kidney disease. Review status: no assertion criteria provided. Collection method: clinical testing. Allele origin: unknown. Affected: yes. Observed: 4 variant alleles. Study: The Canadian Open Genetics Repository (COGR). Not counted in ClinVar's aggregate classification.
Comment: The PKHD1 p.Thr579Met variant was identified in 8 of 1110 proband chromosomes (frequency: 0.007) from individuals or families with ADPKD and was present in 3 of 200 control chromosomes (frequency: 0.015) from healthy individuals (Sharp 2005, Losekoot 2005, Bergmann 2005, Edrees 2016, Obeidova 2015). The variant was also identified in dbSNP (ID: rs45500692) as â€šÃ„ÃºWith Benign alleleâ€šÃ„Ã¹, ClinVar (classified as benign by Invitae and Prevention Genetics), RWTH AAachen University ARPKD database (classified as polynorphism), databases. The variant was not identified in Genesight-COGR, LOVD 3.0, databases. The variant was identified in control databases in 6712 of 276722 chromosomes at a frequency of 0.024255 increasing the likelihood this could be a low frequency benign variant (Genome Aggregation Consortium Feb 27, 2017). The p.Thr579 residue is not conserved in mammals and computational analyses (PolyPhen-2, SIFT, AlignGVGD, BLOSUM, MutationTaster) provide inconsistent predictions regarding the impact to the protein, in addition the variant amino acid Methionine (Met) is present in northern white cheeked gibbon, increasing the likelihood that this variant does not have clinical significance. The variant occurs outside of the splicing consensus sequence and 2 of 5 in silico or computational prediction software programs (SpliceSiteFinder, MaxEntScan, NNSPLICE, GeneSplicer, HumanSpliceFinder) predict a greater than 10% difference in splicing; this is not very predictive of pathogenicity. In summary, based on the above information the clinical significance of this variant cannot be determined with certainty at this time although we would lean towards a more benign role for this variant. This variant is classified as likely benign.

Diagnostic Laboratory, Department of Genetics, University Medical Center Groningen
Classification: Benign for Polycystic kidney disease 4. Review status: no assertion criteria provided. Collection method: clinical testing. Allele origin: germline. Affected: yes. Study: VKGL Data-share Consensus. Not counted in ClinVar's aggregate classification.

Laboratory of Diagnostic Genome Analysis, Leiden University Medical Center (LUMC)
Classification: Benign. Review status: no assertion criteria provided. Collection method: clinical testing. Allele origin: germline. Affected: yes. Study: VKGL Data-share Consensus. Not counted in ClinVar's aggregate classification.